The following is an entry in ClinVar:

ClinVar aggregate classification (germline): Uncertain significance (1 of 4 stars; one submission).

Allele frequency attached by ClinVar (database versions not stated): TOPMed below 0.00001.

Submission:

Ambry Genetics
Classification: Uncertain significance. Last evaluated: 2024-10-31. Review status: criteria provided, single submitter. Criteria: Ambry Variant Classification Scheme 2023. Collection method: clinical testing. Allele origin: germline.
Comment: The p.S548A variant (also known as c.1642T>G), located in coding exon 15 of the RAD54L gene, results from a T to G substitution at nucleotide position 1642. The serine at codon 548 is replaced by alanine, an amino acid with similar properties. This amino acid position is conserved. In addition, the in silico prediction for this alteration is inconclusive. Since supporting evidence is limited at this time, the clinical significance of this alteration remains unclear.

NM_003579.4(RAD54L):c.1642T>G (p.Ser548Ala)

Gene: RAD54L (RAD54 like; plus strand). Cytogenetic location: 1p34.1.
Variant type: single nucleotide variant.
Coding change: c.1642T>G on transcript NM_003579.4 (MANE Select); coding-DNA position 1642, T replaced by G.
Protein change: p.Ser548Ala; replaces serine 548 with alanine.
Molecular consequence: missense variant.
Genome position (GRCh38, 1-based): chr1:46,274,169, T>G. VCF-style: chr1-46274169-T-G. GRCh37 (hg19) VCF-style: chr1-46739841-T-G.
Other names: c.1642T>G, p.Ser548Ala (NM_001142548.2); c.1102T>G, p.Ser368Ala (NM_001370766.1); short protein forms S368A, S548A.
Identifiers: ClinVar variation 1777082 (VCV001777082.3), dbSNP rs1330493260, ClinGen allele CA340183406.